The following is an entry in ClinVar:

ClinVar aggregate classification (germline): Uncertain significance (1 of 4 stars; one submission).

Conditions:
Spermatogenic failure 18. Identifiers: MedGen C4539783, MONDO:0054615, OMIM 617576.
Ciliary dyskinesia, primary, 37 (CILD37). Also called: CILIARY DYSKINESIA, PRIMARY, 37, WITH OR WITHOUT SITUS INVERSUS. Identifiers: MedGen C4539798, MONDO:0033204, OMIM 617577.

Allele frequency attached by ClinVar (database versions not stated): gnomAD exomes below 0.00001; TOPMed below 0.00001; ExAC 0.00001.
gnomAD v4.1: 1 of 1,613,964 alleles (0.000062%); highest among the groups gnomAD compares: Non-Finnish European, 0.000085%; no homozygotes.

Submission:

Labcorp Genetics (formerly Invitae), Labcorp
Classification: Uncertain significance for Ciliary dyskinesia, primary, 37; Spermatogenic failure 18. Last evaluated: 2018-08-10. Review status: criteria provided, single submitter. Criteria: Invitae Variant Classification Sherloc (09022015). Collection method: clinical testing. Allele origin: germline.
Comment: This sequence change replaces glutamic acid with alanine at codon 3391 of the DNAH1 protein (p.Glu3391Ala). The glutamic acid residue is highly conserved and there is a moderate physicochemical difference between glutamic acid and alanine. This variant is present in population databases (rs767720513, ExAC 0.002%). This variant has not been reported in the literature in individuals with DNAH1-related disease. Algorithms developed to predict the effect of missense changes on protein structure and function are either unavailable or do not agree on the potential impact of this missense change (SIFT: "Deleterious"; PolyPhen-2: "Probably Damaging"; Align-GVGD: "Class C0"). In summary, the available evidence is currently insufficient to determine the role of this variant in disease. Therefore, it has been classified as a Variant of Uncertain Significance.

NM_015512.5(DNAH1):c.10172A>C (p.Glu3391Ala)

Gene: DNAH1 (dynein axonemal heavy chain 1; plus strand). Cytogenetic location: 3p21.1.
Variant type: single nucleotide variant.
Coding change: c.10172A>C on transcript NM_015512.5 (MANE Select); coding-DNA position 10172, A replaced by C.
Protein change: p.Glu3391Ala; replaces glutamic acid 3391 with alanine.
Molecular consequence: missense variant.
Genome position (GRCh38, 1-based): chr3:52,392,583, A>C. VCF-style: chr3-52392583-A-C. GRCh37 (hg19) VCF-style: chr3-52426599-A-C.
Other names: short protein forms E3391A.
Identifiers: ClinVar variation 654319 (VCV000654319.6), dbSNP rs767720513, ClinGen allele CA2435725.